The following is an entry in ClinVar:

NM_006978.3(RNF113A):c.371C>T (p.Thr124Ile)

Gene: RNF113A (ring finger protein 113A; minus strand). Cytogenetic location: Xq24.
Variant type: single nucleotide variant.
Coding change: c.371C>T on transcript NM_006978.3 (MANE Select); coding-DNA position 371, C replaced by T.
Protein change: p.Thr124Ile; replaces threonine 124 with isoleucine.
Molecular consequence: missense variant.
Genome position (GRCh38, 1-based): chrX:119,871,243, G>A on the plus strand (C>T on the coding strand, the complement: RNF113A is on the minus strand). VCF-style: chrX-119871243-G-A. GRCh37 (hg19) VCF-style: chrX-119005206-G-A.
Other names: c.371C>T (NM_006978.2); short protein forms T124I.
Identifiers: ClinVar variation 2980769 (VCV002980769.4), dbSNP rs756213224, ClinGen allele CA10503470.

ClinVar aggregate classification (germline): Uncertain significance. Review status: criteria provided, multiple submitters, no conflicts (2 of 4 stars). 2 submissions from 2 submitters: Uncertain significance (2). Last evaluated 2025-08-30.

Allele frequency attached by ClinVar (database versions not stated): gnomAD exomes below 0.00001; TOPMed below 0.00001; ExAC 0.00001; gnomAD 0.00001.

Submissions (2):

Ambry Genetics
Classification: Uncertain significance. Last evaluated: 2025-08-30. Review status: criteria provided, single submitter. Criteria: Ambry Variant Classification Scheme 2023. Collection method: clinical testing. Allele origin: germline.

Labcorp Genetics (formerly Invitae), Labcorp
Classification: Uncertain significance. Last evaluated: 2023-09-08. Review status: criteria provided, single submitter. Criteria: Invitae Variant Classification Sherloc (09022015). Collection method: clinical testing. Allele origin: germline.
Comment: In summary, the available evidence is currently insufficient to determine the role of this variant in disease. Therefore, it has been classified as a Variant of Uncertain Significance. Advanced modeling of protein sequence and biophysical properties (such as structural, functional, and spatial information, amino acid conservation, physicochemical variation, residue mobility, and thermodynamic stability) performed at Invitae indicates that this missense variant is expected to disrupt RNF113A protein function. This variant has not been reported in the literature in individuals affected with RNF113A-related conditions. This variant is present in population databases (rs756213224, gnomAD 0.008%). This sequence change replaces threonine, which is neutral and polar, with isoleucine, which is neutral and non-polar, at codon 124 of the RNF113A protein (p.Thr124Ile).